The following is an entry in ClinVar:

ClinVar aggregate classification (germline): Likely pathogenic (1 of 4 stars; one submission).

Conditions:
Renal carnitine transport defect (CDSP). Also called: Systemic primary carnitine deficiency disease; Carnitine Deficiency, Systemic; Primary carnitine deficiency; Systemic primary carnitine deficiency; Carnitine transporter deficiency; CARNITINE DEFICIENCY, SYSTEMIC, DUE TO DEFECT IN RENAL REABSORPTION OF CARNITINE. Identifiers: Orphanet 158, MedGen C0342788, MONDO:0008919, OMIM 212140.

Submission:

Labcorp Genetics (formerly Invitae), Labcorp
Classification: Likely pathogenic for Renal carnitine transport defect. Last evaluated: 2025-05-03. Review status: criteria provided, single submitter. Criteria: Invitae Variant Classification Sherloc (09022015). Collection method: clinical testing. Allele origin: germline.
Comment: This sequence change replaces serine, which is neutral and polar, with arginine, which is basic and polar, at codon 26 of the SLC22A5 protein (p.Ser26Arg). This variant is not present in population databases (gnomAD no frequency). This variant has not been reported in the literature in individuals affected with SLC22A5-related conditions. Invitae Evidence Modeling of protein sequence and biophysical properties (such as structural, functional, and spatial information, amino acid conservation, physicochemical variation, residue mobility, and thermodynamic stability) indicates that this missense variant is expected to disrupt SLC22A5 protein function with a positive predictive value of 95%. This variant disrupts the p.Ser26 amino acid residue in SLC22A5. Other variant(s) that disrupt this residue have been determined to be pathogenic (PMID: 21922592). This suggests that this residue is clinically significant, and that variants that disrupt this residue are likely to be disease-causing. In summary, the currently available evidence indicates that the variant is pathogenic, but additional data are needed to prove that conclusively. Therefore, this variant has been classified as Likely Pathogenic.

Literature cited by the submitters: PubMed 21922592.

NM_003060.4(SLC22A5):c.78C>A (p.Ser26Arg)

Gene: SLC22A5 (solute carrier family 22 member 5; plus strand). Cytogenetic location: 5q31.1.
Variant type: single nucleotide variant.
Coding change: c.78C>A on transcript NM_003060.4 (MANE Select); coding-DNA position 78, C replaced by A.
Protein change: p.Ser26Arg; replaces serine 26 with arginine.
Molecular consequence: missense variant.
Genome position (GRCh38, 1-based): chr5:132,370,050, C>A. VCF-style: chr5-132370050-C-A. GRCh37 (hg19) VCF-style: chr5-131705742-C-A.
Other names: c.78C>A, p.Ser26Arg (NM_001308122.2); short protein forms S26R.
Identifiers: ClinVar variation 4709898 (VCV004709898.1).
Genomic context (GRCh38, chr5:132,370,050, plus strand): 5'-GGTGACCGCCTTCCTGGGCGAGTGGGGGCCCTTCCAGCGCCTCATCTTCTTCCTGCTCAG[C>A]GCCAGCATCATCCCCAATGGCTTCACCGGCCTGTCCTCCGTGTTCCTGATAGCGACCCCG-3'
Protein context (NP_003051.1, residues 16-36): PFQRLIFFLL[Ser26Arg]ASIIPNGFTG